The following is an entry in ClinVar:

NM_005051.3(QARS1):c.1863+10G>C

Gene: QARS1 (glutaminyl-tRNA synthetase 1; minus strand). Cytogenetic location: 3p21.31.
Variant type: single nucleotide variant.
Coding change: c.1863+10G>C on transcript NM_005051.3 (MANE Select); 10 bases into the intron after coding-DNA position 1863, G replaced by C.
Molecular consequence: intron variant.
Genome position (GRCh38, 1-based): chr3:49,098,875, C>G on the plus strand (G>C on the coding strand, the complement: QARS1 is on the minus strand). VCF-style: chr3-49098875-C-G. GRCh37 (hg19) VCF-style: chr3-49136308-C-G.
Other names: c.1830+10G>C (NM_001272073.2).
Identifiers: ClinVar variation 391301 (VCV000391301.5), dbSNP rs749903302, ClinGen allele CA16604965.

ClinVar aggregate classification (germline): Likely benign. Review status: criteria provided, multiple submitters, no conflicts (2 of 4 stars). 3 submissions from 3 submitters: Likely benign (3). Last evaluated 2025-06-29.

Conditions:
Diffuse cerebral and cerebellar atrophy - intractable seizures - progressive microcephaly syndrome. Also called: Microcephaly, progressive, with seizures and cerebral and cerebellar atrophy. Identifiers: Orphanet 404437, MedGen C4014239, MONDO:0014335, OMIM 615760.

Allele frequency attached by ClinVar (database versions not stated): TOPMed below 0.00001.
gnomAD v4.1: 19 of 1,605,370 alleles (0.0012%); highest among the groups gnomAD compares: Non-Finnish European, 0.0015%; no homozygotes.

Submissions (3):

Labcorp Genetics (formerly Invitae), Labcorp
Classification: Likely benign for Diffuse cerebral and cerebellar atrophy - intractable seizures - progressive microcephaly syndrome. Last evaluated: 2025-06-29. Review status: criteria provided, single submitter. Criteria: Invitae Variant Classification Sherloc (09022015). Collection method: clinical testing. Allele origin: germline.

Blueprint Genetics
Classification: Likely benign. Last evaluated: 2024-05-28. Review status: criteria provided, single submitter. Criteria: ACMG Guidelines, 2015. Collection method: clinical testing. Allele origin: germline.

GeneDx
Classification: Likely benign. Last evaluated: 2016-12-05. Review status: criteria provided, single submitter. Criteria: GeneDx Variant Classification (06012015). Collection method: clinical testing. Allele origin: germline. Affected: yes.
Comment: This variant is considered likely benign or benign based on one or more of the following criteria: it is a conservative change, it occurs at a poorly conserved position in the protein, it is predicted to be benign by multiple in silico algorithms, and/or has population frequency not consistent with disease.